The following is an entry in ClinVar:

ClinVar aggregate classification (germline): Benign. Review status: reviewed by expert panel (3 of 4 stars). 7 submissions from 7 submitters: Benign (1). 6 of the submissions do not count toward it. Last evaluated 2025-01-30.

Conditions:
Choroidal dystrophy, central areolar, 1. Identifiers: Orphanet 75377, MedGen C4551884, MONDO:0024539, OMIM 215500.
Night blindness, congenital stationary, type1i. Also called: NIGHT BLINDNESS, CONGENITAL STATIONARY, TYPE 1I. Identifiers: MedGen C5231408, MONDO:0032811, OMIM 618555.
Leber congenital amaurosis 1 (LCA1). Also called: AMAUROSIS CONGENITA OF LEBER I; Congenital absence of the rods and cones; Leber's congenital tapetoretinal degeneration; Leber's congenital tapetoretinal dysplasia; RETINAL BLINDNESS, CONGENITAL. Identifiers: Orphanet 65, MedGen C2931258, MONDO:0008764, OMIM 204000.
Cone-rod dystrophy 6 (CORD6). Also called: Cone dystrophy progressive; RETINAL CONE DYSTROPHY 2. Identifiers: Orphanet 1872, MedGen C1866293, MONDO:0011143, OMIM 601777.
GUCY2D-related recessive retinopathy. Also called: Recessive GUCY2D retinopathy. Identifiers: MedGen CN305603, MONDO:0100453.

Allele frequency attached by ClinVar (database versions not stated): gnomAD exomes 0.00368 and 0.01014; gnomAD 0.00492 and 0.00340; 1000 Genomes Project 0.02716; TOPMed 0.00610; 1000 Genomes Project 30x 0.02420; ESP Exome Variant Server 0.00100; ExAC 0.01274.
gnomAD v4.1: 6,378 of 1,604,706 alleles (0.4%); highest among the groups gnomAD compares: East Asian, 12%; 325 homozygotes.

Submissions (7):

ClinGen Leber Congenital Amaurosis/early Onset Retinal Dystrophy Variant Curation Expert Panel, ClinGen
Classification: Benign for GUCY2D-related recessive retinopathy. Last evaluated: 2025-01-30. Review status: reviewed by expert panel. Criteria: ClinGen LCAeoRD ACMG Specifications GUCY2D V1.0.0. Collection method: curation. Allele origin: germline. Inheritance: Autosomal recessive inheritance.
Comment: NM_000180.4(GUCY2D):c.1371C>T (p.Cys457=) is a synonymous variant in exon 4 of 20. This variant is present in gnomAD v.4.1.0 at a GrpMax allele frequency of 0.1129, with 5137 alleles/44460 total alleles and 134 homozygotes in the East Asian population, which is higher than the ClinGen LCA/eoRD VCEP BA1 threshold of >0.016. (BA1). This variant has been found in the homozygous state in 325 adult individuals in gnomAD which exceeds the LCA/eoRD VCEP threshold of ≥6 (gnomAD version 4.1.0; BS2). The computational predictor REVEL has no data as this is a synonymous variant. The splicing impact predictor SpliceAI gives a delta score of 0.02, which is below the ClinGen LCA/eoRD VCEP recommended threshold of <0.1 and does not predict an impact on splicing (BP4, BP7). In summary, this variant meets the criteria to be classified as Benign for GUCY2D-related recessive retinopathy based on the ACMG/AMP criteria applied, as specified by the ClinGen LCA/eoRD VCEP: BA1, BP4, BP7. (VCEP specifications version 1.0.0; date of approval 01/22/2025)

Labcorp Genetics (formerly Invitae), Labcorp
Classification: Benign for Leber congenital amaurosis 1; Cone-rod dystrophy 6. Last evaluated: 2026-02-04. Review status: criteria provided, single submitter. Criteria: Invitae Variant Classification Sherloc (09022015). Collection method: clinical testing. Allele origin: germline. Not counted in ClinVar's aggregate classification.

Fulgent Genetics
Classification: Likely benign for Leber congenital amaurosis 1; Choroidal dystrophy, central areolar, 1; Cone-rod dystrophy 6; Night blindness, congenital stationary, type1i. Last evaluated: 2022-01-18. Review status: criteria provided, single submitter. Criteria: ACMG Guidelines, 2015. Collection method: clinical testing. Allele origin: unknown. Not counted in ClinVar's aggregate classification.

GeneDx
Classification: Benign. Last evaluated: 2018-11-12. Review status: criteria provided, single submitter. Criteria: GeneDx Variant Classification Process June 2021. Collection method: clinical testing. Allele origin: germline. Affected: yes. Not counted in ClinVar's aggregate classification.

Eurofins Ntd Llc (ga)
Classification: Benign. Last evaluated: 2015-02-25. Review status: criteria provided, single submitter. Criteria: EGL Classification Definitions 2015. Collection method: clinical testing. Allele origin: germline. Observed: 1 variant allele, 1 heterozygote. Not counted in ClinVar's aggregate classification.

Breakthrough Genomics
Classification: Benign. Review status: criteria provided, single submitter. Criteria: ACMG Guidelines, 2015. Collection method: not provided. Allele origin: germline. Inheritance: Autosomal recessive inheritance. Affected: yes. Not counted in ClinVar's aggregate classification.

PreventionGenetics, part of Exact Sciences
Classification: Benign. Review status: criteria provided, single submitter. Criteria: ACMG Guidelines, 2015. Collection method: clinical testing. Allele origin: germline. Not counted in ClinVar's aggregate classification.

Literature cited by the submitters: PubMed 18682808 (cited by ClinGen Leber Congenital Amaurosis/early Onset Retinal Dystrophy Variant Curation Expert Panel, ClinGen).

NM_000180.4(GUCY2D):c.1371C>T (p.Cys457=)

Gene: GUCY2D (guanylate cyclase 2D, retinal; plus strand). Cytogenetic location: 17p13.1.
Variant type: single nucleotide variant.
Coding change: c.1371C>T on transcript NM_000180.4 (MANE Select); coding-DNA position 1371, C replaced by T.
Protein change: p.Cys457=; no amino-acid change (cysteine 457 retained).
Molecular consequence: synonymous variant.
Genome position (GRCh38, 1-based): chr17:8,006,707, C>T. VCF-style: chr17-8006707-C-T. GRCh37 (hg19) VCF-style: chr17-7910025-C-T.
Other names: NM_000180.4(GUCY2D):c.1371C>T; p.Cys457=.
Identifiers: ClinVar variation 197116 (VCV000197116.18), dbSNP rs55916957, ClinGen allele CA202700.